The following is an entry in ClinVar:

NM_002528.7(NTHL1):c.719G>C (p.Arg240Thr)

Gene: NTHL1 (nth like DNA glycosylase 1; minus strand). Cytogenetic location: 16p13.3.
Variant type: single nucleotide variant.
Coding change: c.719G>C on transcript NM_002528.7 (MANE Select); coding-DNA position 719, G replaced by C.
Protein change: p.Arg240Thr; replaces arginine 240 with threonine.
Molecular consequence: missense variant.
Genome position (GRCh38, 1-based): chr16:2,040,205, C>G on the plus strand (G>C on the coding strand, the complement: NTHL1 is on the minus strand). VCF-style: chr16-2040205-C-G. GRCh37 (hg19) VCF-style: chr16-2090206-C-G.
Other names: c.548G>C, p.Arg183Thr (NM_001318193.2); c.389G>C, p.Arg130Thr (NM_001318194.2); short protein forms R240T, R130T, R183T.
Identifiers: ClinVar variation 2723963 (VCV002723963.3), dbSNP rs763365969, ClinGen allele CA7828135.
Genomic context (GRCh38, chr16:2,040,205, plus strand): 5'-TCCTCCAGGGCGGCGCGGGTCTCCTCTGGGGACTTGGTTGCCTTCTTGGTCCACCTCAGC[C>G]TGTTGGCGATTCTGTGCACATGCGTGTCCACTGCTGCTGGGAGGCCAAGCGGGGTGAACA-3'
Protein context (NP_002519.2, residues 230-250): VDTHVHRIAN[Arg240Thr]LRWTKKATKS

ClinVar aggregate classification (germline): Uncertain significance (1 of 4 stars; one submission).

Allele frequency attached by ClinVar (database versions not stated): ExAC 0.00001; gnomAD exomes 0.00001.
gnomAD v4.1: 3 of 1,613,930 alleles (0.00019%); no homozygotes.

Submission:

Labcorp Genetics (formerly Invitae), Labcorp
Classification: Uncertain significance. Last evaluated: 2024-01-11. Review status: criteria provided, single submitter. Criteria: Invitae Variant Classification Sherloc (09022015). Collection method: clinical testing. Allele origin: germline.
Comment: This sequence change replaces arginine, which is basic and polar, with threonine, which is neutral and polar, at codon 248 of the NTHL1 protein (p.Arg248Thr). This variant is present in population databases (rs763365969, gnomAD 0.01%). This variant has not been reported in the literature in individuals affected with NTHL1-related conditions. An algorithm developed to predict the effect of missense changes on protein structure and function (PolyPhen-2) suggests that this variant is likely to be disruptive. In summary, the available evidence is currently insufficient to determine the role of this variant in disease. Therefore, it has been classified as a Variant of Uncertain Significance.